The following is an entry in ClinVar:

NM_001367561.1(DOCK7):c.3176G>A (p.Arg1059Gln)

Gene: DOCK7 (dedicator of cytokinesis 7; minus strand). Cytogenetic location: 1p31.3.
Variant type: single nucleotide variant.
Coding change: c.3176G>A on transcript NM_001367561.1 (MANE Select); coding-DNA position 3176, G replaced by A.
Protein change: p.Arg1059Gln; replaces arginine 1059 with glutamine.
Molecular consequence: missense variant.
Genome position (GRCh38, 1-based): chr1:62,539,762, C>T on the plus strand (G>A on the coding strand, the complement: DOCK7 is on the minus strand). VCF-style: chr1-62539762-C-T. GRCh37 (hg19) VCF-style: chr1-63005433-C-T.
Other names: c.3176G>A, p.Arg1059Gln (NM_001271999.2, NM_001330614.2); c.3083G>A, p.Arg1028Gln (NM_001272000.2, NM_001272001.2, NM_033407.4); short protein forms R1059Q, R1028Q.
Identifiers: ClinVar variation 581381 (VCV000581381.7), dbSNP rs766120987, ClinGen allele CA886070.
Genomic context (GRCh38, chr1:62,539,762, plus strand): 5'-GCTTAATCTGAGCTTGAAAGAGAGATAAGTGGGGAAAAAGTTATCATTACCTTCTGAAAT[C>T]GTGAAACTATATCACTAGCAATCGTGCTGACAAGAGCTGCAATGTCATCCATGAAACGTT-3'
Protein context (NP_001354490.1, residues 1049-1069): VSTIASDIVS[Arg1059Gln]FQKDTEMVER

ClinVar aggregate classification (germline): Uncertain significance. Review status: criteria provided, multiple submitters, no conflicts (2 of 4 stars). 2 submissions from 2 submitters: Uncertain significance (2). Last evaluated 2024-09-04.

Conditions:
Developmental and epileptic encephalopathy, 23 (DEE23). Also called: Epileptic encephalopathy, early infantile, 23. Identifiers: Orphanet 411986, MedGen C4014492, MONDO:0014371, OMIM 615859.

Allele frequency attached by ClinVar (database versions not stated): ExAC 0.00001; gnomAD exomes 0.00001 and 0.00007; TOPMed 0.00002; gnomAD 0.00003.
gnomAD v4.1: 97 of 1,612,580 alleles (0.006%); highest among the groups gnomAD compares: Middle Eastern, 0.016%; no homozygotes.

Submissions (2):

Blueprint Genetics
Classification: Uncertain significance. Last evaluated: 2024-09-04. Review status: criteria provided, single submitter. Criteria: ACMG Guidelines, 2015. Collection method: clinical testing. Allele origin: germline.

Labcorp Genetics (formerly Invitae), Labcorp
Classification: Uncertain significance for Developmental and epileptic encephalopathy, 23. Last evaluated: 2022-03-29. Review status: criteria provided, single submitter. Criteria: Invitae Variant Classification Sherloc (09022015). Collection method: clinical testing. Allele origin: germline.
Comment: This sequence change replaces arginine, which is basic and polar, with glutamine, which is neutral and polar, at codon 1059 of the DOCK7 protein (p.Arg1059Gln). This variant is present in population databases (rs766120987, gnomAD 0.01%). This variant has not been reported in the literature in individuals affected with DOCK7-related conditions. ClinVar contains an entry for this variant (Variation ID: 581381). Algorithms developed to predict the effect of missense changes on protein structure and function are either unavailable or do not agree on the potential impact of this missense change (SIFT: "Tolerated"; PolyPhen-2: "Probably Damaging"; Align-GVGD: "Class C0"). In summary, the available evidence is currently insufficient to determine the role of this variant in disease. Therefore, it has been classified as a Variant of Uncertain Significance.